The following is an entry in ClinVar:

NM_004684.6(SPARCL1):c.334G>A (p.Glu112Lys)

Gene: SPARCL1 (SPARC like 1; minus strand). Cytogenetic location: 4q22.1.
Variant type: single nucleotide variant.
Coding change: c.334G>A on transcript NM_004684.6 (MANE Select); coding-DNA position 334, G replaced by A.
Protein change: p.Glu112Lys; replaces glutamic acid 112 with lysine.
Molecular consequence: missense variant. On other transcripts: 5 prime UTR variant (2).
Genome position (GRCh38, 1-based): chr4:87,494,466, C>T on the plus strand (G>A on the coding strand, the complement: SPARCL1 is on the minus strand). VCF-style: chr4-87494466-C-T. GRCh37 (hg19) VCF-style: chr4-88415618-C-T.
Other names: c.334G>A, p.Glu112Lys (NM_001128310.3); c.-42G>A (NM_001291976.2, NM_001291977.2); short protein forms E112K.
Identifiers: ClinVar variation 3257740 (VCV003257740.2).

ClinVar aggregate classification (germline): Pathogenic (0 of 4 stars; one submission).

Conditions:
Stromal corneal dystrophy. Identifiers: Orphanet 98626, MedGen C0038457, MONDO:0020213.

Submission:

Davidson Lab, University College London
Classification: Pathogenic for Stromal corneal dystrophy. Review status: no assertion criteria provided. Collection method: research. Allele origin: inherited. Inheritance: Autosomal dominant inheritance. Affected: yes.
Comment: The variant, SPARCL1, NM_004684: c.334G>A; p.(Glu112Lys), is predicted as damaging according to SIFT = 0 and to DANN = 0.998 (dbNSFP version 4.8). In addition, this variant was absent from large population studies and databases (including gnomAD v4.1.0). We found this variant to be associated with a stromal corneal dystrophy in a large 5 generational pedigree. The variant segregates in 5 affected individuals and is absent in 4 unaffected individuals. SPARCL1 is biologically relevant for the associated stromal corneal dystrophy, as it is a regulator of decorin (Sullivan et al., 2006), encoded by DCN, the established corneal dystrophy gene (Bredrup, Knappskog, Majewski, Rødabi, et al., 2005). REFERENCES: Bredrup C, Knappskog PM, Majewski J, Rødahl E, Boman H. Congenital stromal dystrophy of the cornea caused by a mutation in the decorin gene. Invest Ophthalmol Vis Sci. 2005 Feb;46(2):420–6. Sullivan MM, Barker TH, Funk SE, Karchin A, Seo NS, Höök M, et al. Matricellular hevin regulates decorin production and collagen assembly. J Biol Chem. 2006 Sep 15;281(37):27621–32.